The following is an entry in ClinVar:

ClinVar aggregate classification (germline): Uncertain significance (1 of 4 stars; one submission).

Conditions:
Developmental and epileptic encephalopathy, 32 (DEE32). Also called: Epileptic encephalopathy, early infantile, 32. Identifiers: Orphanet 442835, MedGen C4225350, MONDO:0014607, OMIM 616366.

Submission:

Labcorp Genetics (formerly Invitae), Labcorp
Classification: Uncertain significance for Developmental and epileptic encephalopathy, 32. Last evaluated: 2022-04-05. Review status: criteria provided, single submitter. Criteria: Invitae Variant Classification Sherloc (09022015). Collection method: clinical testing. Allele origin: germline.
Comment: In summary, the available evidence is currently insufficient to determine the role of this variant in disease. Therefore, it has been classified as a Variant of Uncertain Significance. Advanced modeling of protein sequence and biophysical properties (such as structural, functional, and spatial information, amino acid conservation, physicochemical variation, residue mobility, and thermodynamic stability) performed at Invitae indicates that this missense variant is not expected to disrupt KCNA2 protein function. This variant has not been reported in the literature in individuals affected with KCNA2-related conditions. This variant is not present in population databases (gnomAD no frequency). This sequence change replaces asparagine, which is neutral and polar, with threonine, which is neutral and polar, at codon 103 of the KCNA2 protein (p.Asn103Thr).

NM_004974.4(KCNA2):c.308A>C (p.Asn103Thr)

Gene: KCNA2 (potassium voltage-gated channel subfamily A member 2; minus strand). Cytogenetic location: 1p13.3.
Variant type: single nucleotide variant.
Coding change: c.308A>C on transcript NM_004974.4 (MANE Select); coding-DNA position 308, A replaced by C.
Protein change: p.Asn103Thr; replaces asparagine 103 with threonine.
Molecular consequence: missense variant.
Genome position (GRCh38, 1-based): chr1:110,604,475, T>G on the plus strand (A>C on the coding strand, the complement: KCNA2 is on the minus strand). VCF-style: chr1-110604475-T-G. GRCh37 (hg19) VCF-style: chr1-111147097-T-G.
Other names: c.308A>C, p.Asn103Thr (NM_001204269.2); short protein forms N103T.
Identifiers: ClinVar variation 1990903 (VCV001990903.4), dbSNP rs1361080553, ClinGen allele CA341605966.